The following is an entry in ClinVar:

NM_139343.3(BIN1):c.1132-91C>G

Gene: BIN1 (bridging integrator 1; minus strand). Cytogenetic location: 2q14.3.
Variant type: single nucleotide variant.
Coding change: c.1132-91C>G on transcript NM_139343.3 (MANE Select); 91 bases into the intron before coding-DNA position 1132, C replaced by G.
Molecular consequence: intron variant.
Genome position (GRCh38, 1-based): chr2:127,054,103, G>C on the plus strand (C>G on the coding strand, the complement: BIN1 is on the minus strand). VCF-style: chr2-127054103-G-C. GRCh37 (hg19) VCF-style: chr2-127811679-G-C.
Other names: c.1051-91C>G (NM_001320642.1); c.838-3191C>G (NM_001320634.1); c.910-3191C>G (NM_139351.3); c.910-2860C>G (NM_139350.3); c.910-1741C>G (NM_139349.3); c.1039-2860C>G (NM_139348.3); c.1039-1741C>G (NM_139347.3); c.1039-91C>G (NM_001320641.2); and 7 more.
Identifiers: ClinVar variation 680205 (VCV000680205.2), dbSNP rs142568045, ClinGen allele CA55340541.

ClinVar aggregate classification (germline): Likely benign. Review status: criteria provided, multiple submitters, no conflicts (2 of 4 stars). 2 submissions from 2 submitters: Likely benign (2). Last evaluated 2018-06-19.

Allele frequency attached by ClinVar (database versions not stated): TOPMed 0.02468; 1000 Genomes Project 0.01717; 1000 Genomes Project 30x 0.01530; gnomAD 0.02451.
gnomAD v4.1: 31,317 of 1,035,718 alleles (3%); highest among the groups gnomAD compares: Middle Eastern, 9%; 696 homozygotes.

Submissions (2):

GeneDx
Classification: Likely benign. Last evaluated: 2018-06-19. Review status: criteria provided, single submitter. Criteria: GeneDx Variant Classification (06012015). Collection method: clinical testing. Allele origin: germline. Affected: yes.
Comment: This variant is considered likely benign or benign based on one or more of the following criteria: it is a conservative change, it occurs at a poorly conserved position in the protein, it is predicted to be benign by multiple in silico algorithms, and/or has population frequency not consistent with disease.

Breakthrough Genomics
Classification: Likely benign. Review status: criteria provided, single submitter. Criteria: ACMG Guidelines, 2015. Collection method: not provided. Allele origin: germline. Inheritance: Autosomal recessive inheritance. Affected: yes.